The following is an entry in ClinVar:

ClinVar aggregate classification (germline): Uncertain significance. Review status: criteria provided, multiple submitters, no conflicts (2 of 4 stars). 2 submissions from 2 submitters: Uncertain significance (2). Last evaluated 2025-06-09.

Conditions:
Inborn genetic diseases. Identifiers: MedGen C0950123, MeSH D030342.

Allele frequency attached by ClinVar (database versions not stated): gnomAD exomes below 0.00001; gnomAD 0.00002; TOPMed 0.00005.
gnomAD v4.1: 7 of 1,613,964 alleles (0.00043%); highest among the groups gnomAD compares: Admixed American, 0.005%; no homozygotes.

Submissions (2):

Labcorp Genetics (formerly Invitae), Labcorp
Classification: Uncertain significance. Last evaluated: 2025-06-09. Review status: criteria provided, single submitter. Criteria: Invitae Variant Classification Sherloc (09022015). Collection method: clinical testing. Allele origin: germline.
Comment: This sequence change replaces aspartic acid, which is acidic and polar, with glutamic acid, which is acidic and polar, at codon 321 of the KLHL9 protein (p.Asp321Glu). This variant is present in population databases (no rsID available, gnomAD 0.1%). This variant has not been reported in the literature in individuals affected with KLHL9-related conditions. ClinVar contains an entry for this variant (Variation ID: 225069). Invitae Evidence Modeling of protein sequence and biophysical properties (such as structural, functional, and spatial information, amino acid conservation, physicochemical variation, residue mobility, and thermodynamic stability) indicates that this missense variant is not expected to disrupt KLHL9 protein function with a negative predictive value of 80%. In summary, the available evidence is currently insufficient to determine the role of this variant in disease. Therefore, it has been classified as a Variant of Uncertain Significance.

Ambry Genetics
Classification: Uncertain significance for Inborn genetic diseases. Last evaluated: 2013-08-08. Review status: criteria provided, single submitter. Criteria: Ambry Autosomal Dominant and X-Linked criteria (10/2015). Collection method: clinical testing. Allele origin: germline. Observed: 1 variant allele.
Comment: There is insufficient or conflicting evidence for classification of this alteration.

NM_018847.4(KLHL9):c.963T>A (p.Asp321Glu)

Gene: KLHL9 (kelch like family member 9; minus strand). Cytogenetic location: 9p21.3.
Variant type: single nucleotide variant.
Coding change: c.963T>A on transcript NM_018847.4 (MANE Select); coding-DNA position 963, T replaced by A.
Protein change: p.Asp321Glu; replaces aspartic acid 321 with glutamic acid.
Molecular consequence: missense variant.
Genome position (GRCh38, 1-based): chr9:21,333,897, A>T on the plus strand (T>A on the coding strand, the complement: KLHL9 is on the minus strand). VCF-style: chr9-21333897-A-T. GRCh37 (hg19) VCF-style: chr9-21333896-A-T.
Other names: short protein forms D321E.
Identifiers: ClinVar variation 225069 (VCV000225069.8), dbSNP rs869312950, ClinGen allele CA358052.